The following is an entry in ClinVar:

NM_021020.5(LZTS1):c.1466G>A (p.Gly489Glu)

Gene: LZTS1 (leucine zipper tumor suppressor 1; minus strand). Cytogenetic location: 8p21.3.
Variant type: single nucleotide variant.
Coding change: c.1466G>A on transcript NM_021020.5 (MANE Select); coding-DNA position 1466, G replaced by A.
Protein change: p.Gly489Glu; replaces glycine 489 with glutamic acid.
Molecular consequence: missense variant.
Genome position (GRCh38, 1-based): chr8:20,250,047, C>T on the plus strand (G>A on the coding strand, the complement: LZTS1 is on the minus strand). VCF-style: chr8-20250047-C-T. GRCh37 (hg19) VCF-style: chr8-20107558-C-T.
Other names: c.1466G>A, p.Gly489Glu (NM_001362884.2); short protein forms G489E.
Identifiers: ClinVar variation 4798071 (VCV004798071.1).

ClinVar aggregate classification (germline): Uncertain significance (1 of 4 stars; one submission).

gnomAD v4.1: 4 of 1,608,912 alleles (0.00025%); highest among the groups gnomAD compares: Non-Finnish European, 0.00034%; no homozygotes.

Submission:

Labcorp Genetics (formerly Invitae), Labcorp
Classification: Uncertain significance. Last evaluated: 2025-10-27. Review status: criteria provided, single submitter. Criteria: Invitae Variant Classification Sherloc (09022015). Collection method: clinical testing. Allele origin: germline.
Comment: This sequence change replaces glycine, which is neutral and non-polar, with glutamic acid, which is acidic and polar, at codon 489 of the LZTS1 protein (p.Gly489Glu). This variant is not present in population databases (gnomAD no frequency). This variant has not been reported in the literature in individuals affected with LZTS1-related conditions. Invitae Evidence Modeling of protein sequence and biophysical properties (such as structural, functional, and spatial information, amino acid conservation, physicochemical variation, residue mobility, and thermodynamic stability) indicates that this missense variant is not expected to disrupt LZTS1 protein function with a negative predictive value of 80%. In summary, the available evidence is currently insufficient to determine the role of this variant in disease. Therefore, it has been classified as a Variant of Uncertain Significance.